The following is an entry in ClinVar:

NM_022168.4(IFIH1):c.2734G>C (p.Val912Leu)

Gene: IFIH1 (interferon induced with helicase C domain 1; minus strand). Cytogenetic location: 2q24.2.
Variant type: single nucleotide variant.
Coding change: c.2734G>C on transcript NM_022168.4 (MANE Select); coding-DNA position 2734, G replaced by C.
Protein change: p.Val912Leu; replaces valine 912 with leucine.
Molecular consequence: missense variant.
Genome position (GRCh38, 1-based): chr2:162,268,160, C>G on the plus strand (G>C on the coding strand, the complement: IFIH1 is on the minus strand). VCF-style: chr2-162268160-C-G. GRCh37 (hg19) VCF-style: chr2-163124670-C-G.
Other names: c.2734G>C (NM_022168.2); short protein forms V912L.
Identifiers: ClinVar variation 1512673 (VCV001512673.9), dbSNP rs763049591, ClinGen allele CA59652892.

ClinVar aggregate classification (germline): Uncertain significance. Review status: criteria provided, multiple submitters, no conflicts (2 of 4 stars). 2 submissions from 2 submitters: Uncertain significance (2). Last evaluated 2024-10-25.

Conditions:
Singleton-Merten syndrome 1 (SGMRT1). Also called: Widened medullary cavities of bone, aortic calcification, abnormal dentition, and muscular weakness; Syndrome of widened medullary cavities of the metacarpals and phalanges, aortic calcification and abnormal dentition. Identifiers: Orphanet 85191, MedGen C4225427, MONDO:0024535, OMIM 182250.
Aicardi-Goutieres syndrome 7 (AGS7). Identifiers: Orphanet 51, MedGen C3888244, MONDO:0014367, OMIM 615846.
Inborn genetic diseases. Identifiers: MedGen C0950123, MeSH D030342.

Allele frequency attached by ClinVar (database versions not stated): gnomAD exomes below 0.00001.
gnomAD v4.1: 4 of 1,613,864 alleles (0.00025%); highest among the groups gnomAD compares: Non-Finnish European, 0.00034%; no homozygotes.

Submissions (2):

Labcorp Genetics (formerly Invitae), Labcorp
Classification: Uncertain significance for Aicardi-Goutieres syndrome 7; Singleton-Merten syndrome 1. Last evaluated: 2024-10-25. Review status: criteria provided, single submitter. Criteria: Invitae Variant Classification Sherloc (09022015). Collection method: clinical testing. Allele origin: germline.
Comment: This sequence change replaces valine, which is neutral and non-polar, with leucine, which is neutral and non-polar, at codon 912 of the IFIH1 protein (p.Val912Leu). This variant is present in population databases (rs763049591, gnomAD 0.0009%). This variant has not been reported in the literature in individuals affected with IFIH1-related conditions. ClinVar contains an entry for this variant (Variation ID: 1512673). Invitae Evidence Modeling of protein sequence and biophysical properties (such as structural, functional, and spatial information, amino acid conservation, physicochemical variation, residue mobility, and thermodynamic stability) has been performed for this missense variant. However, the output from this modeling did not meet the statistical confidence thresholds required to predict the impact of this variant on IFIH1 protein function. In summary, the available evidence is currently insufficient to determine the role of this variant in disease. Therefore, it has been classified as a Variant of Uncertain Significance.

Ambry Genetics
Classification: Uncertain significance for Inborn genetic diseases. Last evaluated: 2024-03-04. Review status: criteria provided, single submitter. Criteria: Ambry Variant Classification Scheme 2023. Collection method: clinical testing. Allele origin: germline.